The following is an entry in ClinVar:

NM_016341.4(PLCE1):c.3169C>T (p.Arg1057Ter)

Gene: PLCE1 (phospholipase C epsilon 1; plus strand). Cytogenetic location: 10q23.33.
Variant type: single nucleotide variant.
Coding change: c.3169C>T on transcript NM_016341.4 (MANE Select); coding-DNA position 3169, C replaced by T.
Protein change: p.Arg1057Ter; replaces arginine 1057 with a stop codon.
Molecular consequence: nonsense.
Genome position (GRCh38, 1-based): chr10:94,252,388, C>T. VCF-style: chr10-94252388-C-T. GRCh37 (hg19) VCF-style: chr10-96012145-C-T.
Other names: c.2245C>T, p.Arg749Ter (NM_001165979.2); c.3169C>T, p.Arg1057Ter (NM_001288989.2); short protein forms R749*, R1057*.
Identifiers: ClinVar variation 2735459 (VCV002735459.3), dbSNP rs1437816828, ClinGen allele CA377642441.

ClinVar aggregate classification (germline): Pathogenic (1 of 4 stars; one submission).

Allele frequency attached by ClinVar (database versions not stated): gnomAD exomes below 0.00001.
gnomAD v4.1: 4 of 1,613,990 alleles (0.00025%); highest among the groups gnomAD compares: South Asian, 0.0022%; no homozygotes.

Submission:

Labcorp Genetics (formerly Invitae), Labcorp
Classification: Pathogenic. Last evaluated: 2023-07-28. Review status: criteria provided, single submitter. Criteria: Invitae Variant Classification Sherloc (09022015). Collection method: clinical testing. Allele origin: germline.
Comment: This sequence change creates a premature translational stop signal (p.Arg1057*) in the PLCE1 gene. It is expected to result in an absent or disrupted protein product. Loss-of-function variants in PLCE1 are known to be pathogenic (PMID: 17086182, 20591883). This variant is present in population databases (no rsID available, gnomAD 0.003%). This premature translational stop signal has been observed in individual(s) with nephrotic syndrome (PMID: 25349199). For these reasons, this variant has been classified as Pathogenic.

Literature cited by the submitters: PubMed 17086182; PubMed 20591883; PubMed 25349199.